The following is an entry in ClinVar:

ClinVar aggregate classification (germline): Likely benign (0 of 4 stars; one submission).

Conditions:
GEMIN4-related disorder. Also called: GEMIN4-related condition.

Allele frequency attached by ClinVar (database versions not stated): gnomAD exomes 0.00019; ExAC 0.00076; ESP Exome Variant Server 0.00123; gnomAD 0.00230; 1000 Genomes Project 0.00359; 1000 Genomes Project 30x 0.00422.
gnomAD v4.1: 657 of 1,608,104 alleles (0.041%); highest among the groups gnomAD compares: African/African-American, 0.78%; 4 homozygotes.

Submission:

PreventionGenetics, part of Exact Sciences
Classification: Likely benign for GEMIN4-related condition. Last evaluated: 2019-02-21. Review status: no assertion criteria provided. Collection method: clinical testing. Allele origin: germline.
Comment: This variant is classified as likely benign based on ACMG/AMP sequence variant interpretation guidelines (Richards et al. 2015 PMID: 25741868, with internal and published modifications).

NM_015721.3(GEMIN4):c.2835C>A (p.Gly945=)

Gene: GEMIN4 (gem nuclear organelle associated protein 4; minus strand). Cytogenetic location: 17p13.3.
Variant type: single nucleotide variant.
Coding change: c.2835C>A on transcript NM_015721.3 (MANE Select); coding-DNA position 2835, C replaced by A.
Protein change: p.Gly945=; no amino-acid change (glycine 945 retained).
Molecular consequence: synonymous variant.
Genome position (GRCh38, 1-based): chr17:745,208, G>T on the plus strand (C>A on the coding strand, the complement: GEMIN4 is on the minus strand). VCF-style: chr17-745208-G-T. GRCh37 (hg19) VCF-style: chr17-648448-G-T.
Identifiers: ClinVar variation 3051704 (VCV003051704.2), dbSNP rs115130601, ClinGen allele CA8262353.